The following is an entry in ClinVar:

NM_000222.3(KIT):c.957A>G (p.Ile319Met)

Gene: KIT (KIT proto-oncogene, receptor tyrosine kinase; plus strand). Cytogenetic location: 4q12.
Variant type: single nucleotide variant.
Coding change: c.957A>G on transcript NM_000222.3 (MANE Select); coding-DNA position 957, A replaced by G.
Protein change: p.Ile319Met; replaces isoleucine 319 with methionine.
Molecular consequence: missense variant.
Genome position (GRCh38, 1-based): chr4:54,707,129, A>G. VCF-style: chr4-54707129-A-G. GRCh37 (hg19) VCF-style: chr4-55573295-A-G.
Other names: c.957A>G, p.Ile319Met (NM_001093772.2, NM_001385285.1, NM_001385286.1); c.960A>G, p.Ile320Met (NM_001385284.1, NM_001385288.1, NM_001385290.1 and 1 more transcripts); short protein forms I319M, I320M.
Identifiers: ClinVar variation 935387 (VCV000935387.12), dbSNP rs377102206, ClinGen allele CA2923352.

ClinVar aggregate classification (germline): Conflicting classifications of pathogenicity. Review status: criteria provided, conflicting classifications (1 of 4 stars). 3 submissions from 3 submitters: Uncertain significance (2); Likely benign (1). Last evaluated 2026-09-04.

Conditions:
Hereditary cancer-predisposing syndrome. Also called: Neoplastic Syndromes, Hereditary; Hereditary Cancer Syndrome; Tumor predisposition; Hereditary neoplastic syndrome. Identifiers: Orphanet 140162, MedGen C0027672, MeSH D009386, MONDO:0015356.
Gastrointestinal stromal tumor. Also called: Gastrointestinal stromal tumor, somatic; Gastrointestinal stroma tumor. Identifiers: Orphanet 44890, MedGen C0238198, MeSH D046152, MONDO:0011719, OMIM 606764, HP:0100723.

Allele frequency attached by ClinVar (database versions not stated): TOPMed below 0.00001; ExAC 0.00001; gnomAD 0.00001; ESP Exome Variant Server 0.00008.

Submissions (3):

Ambry Genetics
Classification: Likely benign for Hereditary cancer-predisposing syndrome. Last evaluated: 2026-09-04. Review status: criteria provided, single submitter. Criteria: Ambry Variant Classification Scheme 2023. Collection method: clinical testing. Allele origin: germline.

Labcorp Genetics (formerly Invitae), Labcorp
Classification: Uncertain significance for Gastrointestinal stromal tumor. Last evaluated: 2025-06-30. Review status: criteria provided, single submitter. Criteria: Invitae Variant Classification Sherloc (09022015). Collection method: clinical testing. Allele origin: germline.
Comment: This sequence change replaces isoleucine, which is neutral and non-polar, with methionine, which is neutral and non-polar, at codon 319 of the KIT protein (p.Ile319Met). This variant is present in population databases (rs377102206, gnomAD 0.007%). This variant has not been reported in the literature in individuals affected with KIT-related conditions. ClinVar contains an entry for this variant (Variation ID: 935387). An algorithm developed to predict the effect of missense changes on protein structure and function outputs the following: PolyPhen-2: "Benign". The methionine amino acid residue is found in multiple mammalian species, which suggests that this missense change does not adversely affect protein function. In summary, the available evidence is currently insufficient to determine the role of this variant in disease. Therefore, it has been classified as a Variant of Uncertain Significance.

Baylor Genetics
Classification: Uncertain significance for Gastrointestinal stromal tumor. Last evaluated: 2023-11-18. Review status: criteria provided, single submitter. Criteria: ACMG Guidelines, 2015. Collection method: clinical testing. Allele origin: unknown.